The following is an entry in ClinVar:

ClinVar aggregate classification (germline): Uncertain significance (1 of 4 stars; one submission).

gnomAD v4.1: 3 of 1,587,380 alleles (0.00019%); highest among the groups gnomAD compares: African/African-American, 0.0027%; no homozygotes.

Submission:

Labcorp Genetics (formerly Invitae), Labcorp
Classification: Uncertain significance. Last evaluated: 2022-07-05. Review status: criteria provided, single submitter. Criteria: Invitae Variant Classification Sherloc (09022015). Collection method: clinical testing. Allele origin: germline.
Comment: This variant has not been reported in the literature in individuals affected with PDE6B-related conditions. ClinVar contains an entry for this variant (Variation ID: 1060045). Algorithms developed to predict the effect of missense changes on protein structure and function are either unavailable or do not agree on the potential impact of this missense change (SIFT: "Deleterious"; PolyPhen-2: "Possibly Damaging"; Align-GVGD: "Class C15"). In summary, the available evidence is currently insufficient to determine the role of this variant in disease. Therefore, it has been classified as a Variant of Uncertain Significance. This variant is present in population databases (no rsID available, gnomAD 0.003%). This sequence change replaces serine, which is neutral and polar, with tryptophan, which is neutral and slightly polar, at codon 638 of the PDE6B protein (p.Ser638Trp).

NM_000283.4(PDE6B):c.1913C>G (p.Ser638Trp)

Gene: PDE6B (phosphodiesterase 6B; plus strand). Cytogenetic location: 4p16.3.
Variant type: single nucleotide variant.
Coding change: c.1913C>G on transcript NM_000283.4 (MANE Select); coding-DNA position 1913, C replaced by G.
Protein change: p.Ser638Trp; replaces serine 638 with tryptophan.
Molecular consequence: missense variant.
Genome position (GRCh38, 1-based): chr4:663,180, C>G. VCF-style: chr4-663180-C-G. GRCh37 (hg19) VCF-style: chr4-656969-C-G.
Other names: c.1913C>G, p.Ser638Trp (NM_001145291.2); c.1076C>G, p.Ser359Trp (NM_001145292.2, NM_001350154.3, NM_001379246.1 and 1 more transcripts); c.758C>G, p.Ser253Trp (NM_001350155.3); short protein forms S253W, S359W, S638W.
Identifiers: ClinVar variation 1060045 (VCV001060045.9), dbSNP rs767873714, ClinGen allele CA355917992.
Genomic context (GRCh38, chr4:663,180, plus strand): 5'-AGCTCCACGGCTCCTCGATTTTGGAGCGGCACCACCTGGAGTTTGGGAAGTTCCTGCTCT[C>G]GGAGGAGGTTGGTATACTCACCCTCGGTTTCTGCTGTGGGCGCTGGGGACGCAGCGTCCG-3'
Protein context (NP_000274.3, residues 628-648): HHLEFGKFLL[Ser638Trp]EETLNIYQNL